The following is an entry in ClinVar:

ClinVar aggregate classification (germline): Uncertain significance (1 of 4 stars; one submission).

Conditions:
Griscelli syndrome type 2 (GS2). Also called: PAID SYNDROME; PARTIAL ALBINISM AND IMMUNODEFICIENCY SYNDROME; GRISCELLI SYNDROME WITH HEMOPHAGOCYTIC SYNDROME. Identifiers: Orphanet 381, Orphanet 79477, MedGen C1868679, MONDO:0011872, OMIM 607624.

Allele frequency attached by ClinVar (database versions not stated): gnomAD 0.00001; gnomAD exomes 0.00001 and 0.00002; TOPMed 0.00001; ExAC 0.00004.
gnomAD v4.1: 21 of 1,614,020 alleles (0.0013%); highest among the groups gnomAD compares: Middle Eastern, 0.033%; no homozygotes.

Submission:

Labcorp Genetics (formerly Invitae), Labcorp
Classification: Uncertain significance for Griscelli syndrome type 2. Last evaluated: 2023-04-22. Review status: criteria provided, single submitter. Criteria: Invitae Variant Classification Sherloc (09022015). Collection method: clinical testing. Allele origin: germline.
Comment: This variant has not been reported in the literature in individuals affected with RAB27A-related conditions. In summary, the available evidence is currently insufficient to determine the role of this variant in disease. Therefore, it has been classified as a Variant of Uncertain Significance. Advanced modeling of protein sequence and biophysical properties (such as structural, functional, and spatial information, amino acid conservation, physicochemical variation, residue mobility, and thermodynamic stability) performed at Invitae indicates that this missense variant is not expected to disrupt RAB27A protein function. ClinVar contains an entry for this variant (Variation ID: 936856). This variant is present in population databases (rs751121802, gnomAD 0.004%). This sequence change replaces isoleucine, which is neutral and non-polar, with valine, which is neutral and non-polar, at codon 174 of the RAB27A protein (p.Ile174Val).

NM_183235.3(RAB27A):c.520A>G (p.Ile174Val)

Gene: RAB27A (RAB27A, member RAS oncogene family; minus strand). Cytogenetic location: 15q21.3.
Variant type: single nucleotide variant.
Coding change: c.520A>G on transcript NM_183235.3 (MANE Select); coding-DNA position 520, A replaced by G.
Protein change: p.Ile174Val; replaces isoleucine 174 with valine.
Molecular consequence: missense variant.
Genome position (GRCh38, 1-based): chr15:55,205,653, T>C on the plus strand (A>G on the coding strand, the complement: RAB27A is on the minus strand). VCF-style: chr15-55205653-T-C. GRCh37 (hg19) VCF-style: chr15-55497851-T-C.
Other names: c.520A>G, p.Ile174Val (NM_004580.5, NM_183234.3, NM_183236.3); short protein forms I174V.
Identifiers: ClinVar variation 936856 (VCV000936856.7), dbSNP rs751121802, ClinGen allele CA7573543.